The following is an entry in ClinVar:

NM_005050.4(ABCD4):c.157G>A (p.Glu53Lys)

Gene: ABCD4 (ATP binding cassette subfamily D member 4; minus strand). Cytogenetic location: 14q24.3.
Variant type: single nucleotide variant.
Coding change: c.157G>A on transcript NM_005050.4 (MANE Select); coding-DNA position 157, G replaced by A.
Protein change: p.Glu53Lys; replaces glutamic acid 53 with lysine.
Molecular consequence: missense variant. On other transcripts: 5 prime UTR variant (15), non-coding transcript variant (8), intron variant (4).
Genome position (GRCh38, 1-based): chr14:74,300,150, C>T on the plus strand (G>A on the coding strand, the complement: ABCD4 is on the minus strand). VCF-style: chr14-74300150-C-T. GRCh37 (hg19) VCF-style: chr14-74766853-C-T.
Other names: c.157G>A, p.Glu53Lys (NM_001353591.2, NM_001353592.2, NM_020325.3); c.-253G>A (NM_001353595.2); c.-125G>A (NM_001353596.2, NM_001353597.2); c.-181G>A (NM_001353599.2, NM_020324.3); c.-193G>A (NM_001353600.2); c.-53G>A (NM_001353601.2); c.-533G>A (NM_001353602.2); c.-410G>A (NM_001353603.2, NM_001353606.2); and 6 more; short protein forms E53K.
Identifiers: ClinVar variation 1487017 (VCV001487017.6), dbSNP rs2140107509, ClinGen allele CA390380971.
Genomic context (GRCh38, chr14:74,300,150, plus strand): 5'-TGGAAAGGGACCCCAAACCAGAGCTCCCCTCCCTCCTCTAGTCTGGGCTCACTCACTCAC[C>T]CAGTAGGGTCAGGCACAAAAGGGTCAGGAACATCAAGGCATTTTGTGATGACCAAGAAGG-3'
Protein context (NP_005041.1, residues 43-63): FLTLLCLTLL[Glu53Lys]QFVIYQVGLI

ClinVar aggregate classification (germline): Uncertain significance (1 of 4 stars; one submission).

Conditions:
Methylmalonic acidemia with homocystinuria, type cblJ (MAHCJ). Also called: METHYLMALONIC ACIDURIA AND HOMOCYSTINURIA, cblJ TYPE. Identifiers: Orphanet 369955, MedGen C3553915, MONDO:0013925, OMIM 614857.

Submission:

Labcorp Genetics (formerly Invitae), Labcorp
Classification: Uncertain significance for Methylmalonic acidemia with homocystinuria, type cblJ. Last evaluated: 2021-08-28. Review status: criteria provided, single submitter. Criteria: Invitae Variant Classification Sherloc (09022015). Collection method: clinical testing. Allele origin: germline.
Comment: This sequence change replaces glutamic acid with lysine at codon 53 of the ABCD4 protein (p.Glu53Lys). The glutamic acid residue is moderately conserved and there is a small physicochemical difference between glutamic acid and lysine. This variant also falls at the last nucleotide of exon 2, which is part of the consensus splice site for this exon. This variant is not present in population databases (ExAC no frequency). This variant has not been reported in the literature in individuals affected with ABCD4-related conditions. Algorithms developed to predict the effect of missense changes on protein structure and function output the following: SIFT: "Tolerated"; PolyPhen-2: "Benign"; Align-GVGD: "Class C0". The lysine amino acid residue is found in multiple mammalian species, which suggests that this missense change does not adversely affect protein function. Variants that disrupt the consensus splice site are a relatively common cause of aberrant splicing (PMID: 17576681, 9536098). Algorithms developed to predict the effect of sequence changes on RNA splicing suggest that this variant may disrupt the consensus splice site. In summary, the available evidence is currently insufficient to determine the role of this variant in disease. Therefore, it has been classified as a Variant of Uncertain Significance.

Literature cited by the submitters: PubMed 17576681; PubMed 9536098.